The following is an entry in ClinVar:

ClinVar aggregate classification (germline): Uncertain significance (1 of 4 stars; one submission).

Submission:

GeneDx
Classification: Uncertain significance. Last evaluated: 2025-05-07. Review status: criteria provided, single submitter. Criteria: GeneDx Variant Classification Process June 2021. Collection method: clinical testing. Allele origin: germline. Affected: yes.
Comment: Not observed at significant frequency in large population cohorts (gnomAD); Missense variants in this gene are a common cause of disease and they are underrepresented in the general population; In silico analysis suggests that this missense variant does not alter protein structure/function; Has not been previously published as pathogenic or benign to our knowledge; This variant is associated with the following publications: (PMID: 20829227)

NM_006086.4(TUBB3):c.1094C>T (p.Ser365Phe)

Gene: TUBB3 (tubulin beta 3 class III; plus strand). Cytogenetic location: 16q24.3.
Variant type: single nucleotide variant.
Coding change: c.1094C>T on transcript NM_006086.4 (MANE Select); coding-DNA position 1094, C replaced by T.
Protein change: p.Ser365Phe; replaces serine 365 with phenylalanine.
Molecular consequence: missense variant.
Genome position (GRCh38, 1-based): chr16:89,935,545, C>T. VCF-style: chr16-89935545-C-T. GRCh37 (hg19) VCF-style: chr16-90001953-C-T.
Other names: c.878C>T, p.Ser293Phe (NM_001197181.2); short protein forms S293F, S365F.
Identifiers: ClinVar variation 4528043 (VCV004528043.1).